The following is an entry in ClinVar:

NM_153717.3(EVC):c.1940G>A (p.Arg647Gln)

Gene: EVC (EvC ciliary complex subunit 1; plus strand). Cytogenetic location: 4p16.2.
Variant type: single nucleotide variant.
Coding change: c.1940G>A on transcript NM_153717.3 (MANE Select); coding-DNA position 1940, G replaced by A.
Protein change: p.Arg647Gln; replaces arginine 647 with glutamine.
Molecular consequence: missense variant.
Genome position (GRCh38, 1-based): chr4:5,797,075, G>A. VCF-style: chr4-5797075-G-A. GRCh37 (hg19) VCF-style: chr4-5798802-G-A.
Other names: c.1940G>A, p.Arg647Gln (NM_001306090.2); short protein forms R647Q.
Identifiers: ClinVar variation 500274 (VCV000500274.25), dbSNP rs35401386, ClinGen allele CA2836326.
Genomic context (GRCh38, chr4:5,797,075, plus strand): 5'-CTCAAAGGTCCACGCGGTGTGTCCTGCAGGGGCATGACCTGCTGTTGCGCTCAGCCCTCC[G>A]GAGGCTGGCACTCCGCGGCAACGCCCTGGCCACCCTGACGCAGATGCGGCTATCGGGGAA-3'
Protein context (NP_714928.1, residues 637-657): GHDLLLRSAL[Arg647Gln]RLALRGNALA

ClinVar aggregate classification (germline): Conflicting classifications of pathogenicity. Review status: criteria provided, conflicting classifications (1 of 4 stars). 6 submissions from 6 submitters: Uncertain significance (4); Likely benign (1). 1 of the submissions does not count toward it. Last evaluated 2026-01-15.

Conditions:
EVC-related disorder. Also called: EVC-related disorders; EVC-related condition.
Curry-Hall syndrome (WAD). Also called: WEYERS ACRODENTAL DYSOSTOSIS. Identifiers: Orphanet 952, MedGen C0457013, MONDO:0008673, OMIM 193530.
Ellis-van Creveld syndrome (EVC). Also called: MESOECTODERMAL DYSPLASIA; Chondroectodermal dysplasia. Identifiers: Orphanet 289, MedGen C0013903, MONDO:0009162, OMIM 225500.

Allele frequency attached by ClinVar (database versions not stated): ExAC 0.00054; ESP Exome Variant Server 0.00108; TOPMed 0.00123; 1000 Genomes Project 30x 0.00156; 1000 Genomes Project 0.00160.
gnomAD v4.1: 430 of 1,613,530 alleles (0.027%); highest among the groups gnomAD compares: African/African-American, 0.38%; 1 homozygote.

Submissions (8):

Labcorp Genetics (formerly Invitae), Labcorp
Classification: Likely benign for Curry-Hall syndrome; Ellis-van Creveld syndrome. Last evaluated: 2026-01-15. Review status: criteria provided, single submitter. Criteria: Invitae Variant Classification Sherloc (09022015). Collection method: clinical testing. Allele origin: germline.

Dasa
Classification: Uncertain significance. Last evaluated: 2025-08-12. Review status: criteria provided, single submitter. Criteria: DASA Assertion Criteria. Collection method: clinical testing. Allele origin: germline.
Comment: NM_153717.3(EVC):c.1940G>A (p.Arg647Gln) is a missense variant that results in the substitution of arginine with glutamine. This variant is rare in population databases. The currently available literature and clinical evidence are not sufficient to establish a definitive association between this variant and the reported condition. Therefore, this variant is classified as a variant of uncertain significance.

Women's Health and Genetics/Laboratory Corporation of America, LabCorp
Classification: Uncertain significance. Last evaluated: 2024-02-09. Review status: criteria provided, single submitter. Criteria: LabCorp Variant Classification Summary - May 2015. Collection method: clinical testing. Allele origin: germline.
Comment: Variant summary: EVC c.1940G>A (p.Arg647Gln) results in a conservative amino acid change in the encoded protein sequence. Three of five in-silico tools predict a damaging effect of the variant on protein function. The variant allele was found at a frequency of 0.00027 in 1613530 control chromosomes in the gnomAD database, including 1 homozygote. This frequency does not allow for any conclusion about variant significance. However, the presence of one homozygote is suggestive of a benign role in Ellis-van Creveld syndrome, as the phenotype is expected to be severe and early-onset. To our knowledge, no occurrence of c.1940G>A in individuals affected with Ellis-van Creveld syndrome and no experimental evidence demonstrating its impact on protein function have been reported. ClinVar contains an entry for this variant (Variation ID: 500274). Based on the evidence outlined above, the variant was classified as VUS-possibly benign.

GeneDx
Classification: Uncertain significance. Last evaluated: 2019-06-07. Review status: criteria provided, single submitter. Criteria: GeneDx Variant Classification Process June 2021. Collection method: clinical testing. Allele origin: germline. Affected: yes.
Comment: In silico analysis, which includes protein predictors and evolutionary conservation, supports that this variant does not alter protein structure/function; Has not been previously published as pathogenic or benign to our knowledge

Eurofins Ntd Llc (ga)
Classification: Uncertain significance. Last evaluated: 2017-02-21. Review status: criteria provided, single submitter. Criteria: EGL Classification Definitions 2015. Collection method: clinical testing. Allele origin: germline. Observed: 1 variant allele, 1 heterozygote.

PreventionGenetics, part of Exact Sciences
Classification: Likely benign for EVC-related condition. Last evaluated: 2022-09-06. Review status: no assertion criteria provided. Collection method: clinical testing. Allele origin: germline. Not counted in ClinVar's aggregate classification.
Comment: This variant is classified as likely benign based on ACMG/AMP sequence variant interpretation guidelines (Richards et al. 2015 PMID: 25741868, with internal and published modifications).

Dr. Peter K. Rogan Lab, Western University
No classification provided (evidence only). Condition: Uterine corpus endometrial carcinoma. Review status: no classification provided. Collection method: in vitro. Allele origin: not applicable. Functional consequence: retained intron. Not counted in ClinVar's aggregate classification.

Dr. Peter K. Rogan Lab, Western University
No classification provided (evidence only). Condition: Malignant tumor of esophagus. Review status: no classification provided. Collection method: in vitro. Allele origin: not applicable. Functional consequence: retained intron. Not counted in ClinVar's aggregate classification.